The following is an entry in ClinVar:

ClinVar aggregate classification (germline): Conflicting classifications of pathogenicity. Review status: criteria provided, conflicting classifications (1 of 4 stars). 9 submissions from 7 submitters: Uncertain significance (8); Likely benign (1). Last evaluated 2025-12-15.

Conditions:
Inborn genetic diseases. Identifiers: MedGen C0950123, MeSH D030342.
Charcot-Marie-Tooth disease axonal type 2X. Also called: CHARCOT-MARIE-TOOTH DISEASE, AXONAL, AUTOSOMAL RECESSIVE, TYPE 2X; CHARCOT-MARIE-TOOTH NEUROPATHY, TYPE 2X. Identifiers: Orphanet 466775, MedGen C5569024, MONDO:0014726, OMIM 616668.
Amyotrophic lateral sclerosis type 5 (ALS5). Also called: AMYOTROPHIC LATERAL SCLEROSIS 5, JUVENILE. Identifiers: Orphanet 300605, MedGen C1865864, MONDO:0011196, OMIM 602099.
Hereditary spastic paraplegia 11. Also called: SPASTIC PARAPLEGIA, AUTOSOMAL RECESSIVE, COMPLICATED, WITH THIN CORPUS CALLOSUM; SPASTIC PARAPLEGIA, AUTOSOMAL RECESSIVE, WITH MENTAL IMPAIRMENT AND THIN CORPUS CALLOSUM; Spastic Paraplegia 11; Spastic paraplegia, mental retardation and thin corpus callosum; Nakamura Osame syndrome; Autosomal recessive hereditary spastic paraplegia, mental impairment, and thin corpus callosum. Identifiers: Orphanet 2822, MedGen C1858479, MONDO:0011445, OMIM 604360.

Allele frequency attached by ClinVar (database versions not stated): TOPMed 0.00005; 1000 Genomes Project 30x 0.00016; gnomAD 0.00016; 1000 Genomes Project 0.00020.
gnomAD v4.1: 120 of 1,614,164 alleles (0.0074%); highest among the groups gnomAD compares: Non-Finnish European, 0.0089%; no homozygotes.

Submissions (9):

Labcorp Genetics (formerly Invitae), Labcorp
Classification: Uncertain significance for Hereditary spastic paraplegia 11. Last evaluated: 2025-12-15. Review status: criteria provided, single submitter. Criteria: Invitae Variant Classification Sherloc (09022015). Collection method: clinical testing. Allele origin: germline.
Comment: This sequence change replaces leucine, which is neutral and non-polar, with valine, which is neutral and non-polar, at codon 327 of the SPG11 protein (p.Leu327Val). This variant is present in population databases (rs146109825, gnomAD 0.02%). This variant has not been reported in the literature in individuals affected with SPG11-related conditions. ClinVar contains an entry for this variant (Variation ID: 284761). Invitae Evidence Modeling of protein sequence and biophysical properties (such as structural, functional, and spatial information, amino acid conservation, physicochemical variation, residue mobility, and thermodynamic stability) indicates that this missense variant is not expected to disrupt SPG11 protein function with a negative predictive value of 80%. In summary, the available evidence is currently insufficient to determine the role of this variant in disease. Therefore, it has been classified as a Variant of Uncertain Significance.

Mayo Clinic Laboratories, Mayo Clinic
Classification: Uncertain significance. Last evaluated: 2025-11-28. Review status: criteria provided, single submitter. Criteria: ACMG Guidelines, 2015. Collection method: clinical testing. Allele origin: germline. Observed: 2 variant alleles.
Comment: BP4

Ambry Genetics
Classification: Uncertain significance for Inborn genetic diseases. Last evaluated: 2025-11-26. Review status: criteria provided, single submitter. Criteria: Ambry Variant Classification Scheme 2023. Collection method: clinical testing. Allele origin: germline.

CeGaT Center for Human Genetics Tuebingen
Classification: Likely benign. Last evaluated: 2025-10-01. Review status: criteria provided, single submitter. Criteria: CeGaT Center For Human Genetics Tuebingen Variant Classification Criteria Version 2. Collection method: clinical testing. Allele origin: germline. Affected: yes. Observed: 2 variant alleles.
Comment: SPG11: BP4

Women's Health and Genetics/Laboratory Corporation of America, LabCorp
Classification: Uncertain significance. Last evaluated: 2024-04-05. Review status: criteria provided, single submitter. Criteria: LabCorp Variant Classification Summary - May 2015. Collection method: clinical testing. Allele origin: germline.
Comment: Variant summary: SPG11 c.979C>G (p.Leu327Val) results in a conservative amino acid change in the encoded protein sequence. Four of five in-silico tools predict a benign effect of the variant on protein function. The variant allele was found at a frequency of 9.5e-05 in 251416 control chromosomes. This frequency is not significantly higher than estimated for a pathogenic variant in SPG11 causing Hereditary Spastic Paraplegia, Type 11 (9.5e-05 vs 0.0011), allowing no conclusion about variant significance. To our knowledge, no occurrence of c.979C>G in individuals affected with Hereditary Spastic Paraplegia, Type 11 and no experimental evidence demonstrating its impact on protein function have been reported. ClinVar contains an entry for this variant (Variation ID: 284761). Based on the evidence outlined above, the variant was classified as uncertain significance.

Eurofins Ntd Llc (ga)
Classification: Uncertain significance. Last evaluated: 2017-08-09. Review status: criteria provided, single submitter. Criteria: EGL Classification Definitions 2015. Collection method: clinical testing. Allele origin: germline. Observed: 3 variant alleles, 3 heterozygotes.

Genome-Nilou Lab
Classification: Uncertain significance for Amyotrophic lateral sclerosis type 5. Review status: criteria provided, single submitter. Criteria: ACMG Guidelines, 2015. Collection method: clinical testing. Allele origin: germline.

Genome-Nilou Lab
Classification: Uncertain significance for Charcot-Marie-Tooth disease axonal type 2X. Review status: criteria provided, single submitter. Criteria: ACMG Guidelines, 2015. Collection method: clinical testing. Allele origin: germline.

Genome-Nilou Lab
Classification: Uncertain significance for Hereditary spastic paraplegia 11. Review status: criteria provided, single submitter. Criteria: ACMG Guidelines, 2015. Collection method: clinical testing. Allele origin: germline.

NM_025137.4(SPG11):c.979C>G (p.Leu327Val)

Gene: SPG11 (SPG11 vesicle trafficking associated, spatacsin; minus strand). Cytogenetic location: 15q21.1.
Variant type: single nucleotide variant.
Coding change: c.979C>G on transcript NM_025137.4 (MANE Select); coding-DNA position 979, C replaced by G.
Protein change: p.Leu327Val; replaces leucine 327 with valine.
Molecular consequence: missense variant.
Genome position (GRCh38, 1-based): chr15:44,652,157, G>C on the plus strand (C>G on the coding strand, the complement: SPG11 is on the minus strand). VCF-style: chr15-44652157-G-C. GRCh37 (hg19) VCF-style: chr15-44944355-G-C.
Other names: p.Leu327Val; c.979C>G, p.Leu327Val (NM_001160227.2); short protein forms L327V.
Identifiers: ClinVar variation 284761 (VCV000284761.38), dbSNP rs146109825, ClinGen allele CA7535662.